The following is an entry in ClinVar:

ClinVar aggregate classification (germline): Pathogenic (1 of 4 stars; one submission).

Conditions:
Adams-Oliver syndrome 5 (AOS5). Identifiers: Orphanet 974, MedGen C4014970, MONDO:0014459, OMIM 616028.

Submission:

Labcorp Genetics (formerly Invitae), Labcorp
Classification: Pathogenic for Adams-Oliver syndrome 5. Last evaluated: 2024-07-03. Review status: criteria provided, single submitter. Criteria: Invitae Variant Classification Sherloc (09022015). Collection method: clinical testing. Allele origin: germline.
Comment: This sequence change creates a premature translational stop signal (p.Gly616Alafs*15) in the NOTCH1 gene. It is expected to result in an absent or disrupted protein product. Loss-of-function variants in NOTCH1 are known to be pathogenic (PMID: 16025100, 21457232, 25132448, 25963545, 32720365, 33630301). This variant is not present in population databases (gnomAD no frequency). This variant has not been reported in the literature in individuals affected with NOTCH1-related conditions. For these reasons, this variant has been classified as Pathogenic.

Literature cited by the submitters: PubMed 16025100; PubMed 21457232; PubMed 25132448; PubMed 25963545; PubMed 32720365; PubMed 33630301.

NM_017617.5(NOTCH1):c.1847del (p.Gly616fs)

Gene: NOTCH1 (notch receptor 1; minus strand). Cytogenetic location: 9q34.3.
Variant type: Deletion.
Coding change: c.1847del on transcript NM_017617.5 (MANE Select); coding-DNA position 1847, one base deleted (G; older notation c.1847delG).
Protein change: p.Gly616fs; shifts the reading frame from glycine 616.
Molecular consequence: frameshift variant.
Genome position (GRCh38, 1-based): chr9:136,515,539, C deleted on the plus strand (G on the coding strand, the reverse complement: NOTCH1 is on the minus strand); the first of 5 consecutive C bases (chr9:136,515,539-136,515,543); deleting any one gives the same sequence. VCF-style (leftmost placement, unchanged base first): chr9-136515538-GC-G. GRCh37 (hg19) VCF-style: chr9-139409990-GC-G.
Other names: short protein forms G616fs.
Identifiers: ClinVar variation 3658668 (VCV003658668.2).
Genomic context (GRCh38, chr9:136,515,538, plus strand): 5'-GCCACCTGTGGTCCCCTTCAGGCAGAAGCAGAGGTAGGCGTTGTCGCGGTCCTGGCAGGT[GC>G]CCCCGTGGCGGCAGGGCTGGCTGGAGCACTCGTTGATGTTGGTCTCGCAGTGGTGGCCCG-3'